The following is an entry in ClinVar:

NM_001711.6(BGN):c.206G>A (p.Cys69Tyr)

Gene: BGN (biglycan; plus strand). Cytogenetic location: Xq28.
Variant type: single nucleotide variant.
Coding change: c.206G>A on transcript NM_001711.6 (MANE Select); coding-DNA position 206, G replaced by A.
Protein change: p.Cys69Tyr; replaces cysteine 69 with tyrosine.
Molecular consequence: missense variant.
Genome position (GRCh38, 1-based): chrX:153,504,837, G>A. VCF-style: chrX-153504837-G-A. GRCh37 (hg19) VCF-style: chrX-152770295-G-A.
Other names: short protein forms C69Y.
Identifiers: ClinVar variation 3602591 (VCV003602591.1).

ClinVar aggregate classification (germline): Uncertain significance (1 of 4 stars; one submission).

Conditions:
X-linked spondyloepimetaphyseal dysplasia. Identifiers: Orphanet 93349, MedGen C1848097, MONDO:0010248, OMIM 300106.
Meester-Loeys syndrome. Also called: X-linked severe syndromic thoracic aortic aneurysm and dissection. Identifiers: Orphanet 622925, MedGen C4310811, MONDO:0010515, OMIM 300989.

gnomAD v4.1: 1 of 1,209,214 alleles (0.000083%); highest among the groups gnomAD compares: Non-Finnish European, 0.00011%; no homozygotes.

Submission:

Clinical Genomics Laboratory, Washington University in St. Louis
Classification: Uncertain significance for X-linked spondyloepimetaphyseal dysplasia; Meester-Loeys syndrome. Last evaluated: 2024-04-04. Review status: criteria provided, single submitter. Criteria: ACMG Guidelines, 2015. Collection method: clinical testing. Allele origin: germline.
Comment: The BGN c.206G>A (p.Cys69Tyr) variant, to our knowledge, has not been reported in the medical literature and is absent from the general population (gnomAD v.2.1.1), indicating it is not a common variant. This variant occurs in the cysteine rich region, which consists of a consensus repeat of cysteines and intervening amino acids. Cysteines in this region are predicted to form a disulfide bond with the central leucine-rich repeat domain and beta-hairpin (Zappia J et al., PMID: 31947880). Computational predictors indicate that the variant is damaging, evidence that correlates with impact to biglycan function. This variant changes a consensus cysteine to tyrosine; however, it is unclear the physiological effect of changing a cysteine in this region. Due to limited information, and based on ACMG/AMP guidelines for variant interpretation (Richards S et al., PMID: 25741868), the clinical significance of this variant is uncertain at this time.